The following is an entry in ClinVar:

ClinVar aggregate classification (germline): Uncertain significance (1 of 4 stars; one submission).

gnomAD v4.1: 4 of 1,614,078 alleles (0.00025%); highest among the groups gnomAD compares: Non-Finnish European, 0.00034%; no homozygotes.

Submission:

Labcorp Genetics (formerly Invitae), Labcorp
Classification: Uncertain significance. Last evaluated: 2024-05-06. Review status: criteria provided, single submitter. Criteria: Invitae Variant Classification Sherloc (09022015). Collection method: clinical testing. Allele origin: germline.
Comment: This sequence change replaces valine, which is neutral and non-polar, with isoleucine, which is neutral and non-polar, at codon 922 of the ASXL1 protein (p.Val922Ile). This variant is not present in population databases (gnomAD no frequency). This variant has not been reported in the literature in individuals affected with ASXL1-related conditions. Algorithms developed to predict the effect of missense changes on protein structure and function output the following: SIFT: "Not Available"; PolyPhen-2: "Benign"; Align-GVGD: "Not Available". The isoleucine amino acid residue is found in multiple mammalian species, which suggests that this missense change does not adversely affect protein function. In summary, the available evidence is currently insufficient to determine the role of this variant in disease. Therefore, it has been classified as a Variant of Uncertain Significance.

NM_015338.6(ASXL1):c.2764G>A (p.Val922Ile)

Gene: ASXL1 (ASXL transcriptional regulator 1; plus strand). Cytogenetic location: 20q11.21.
Variant type: single nucleotide variant.
Coding change: c.2764G>A on transcript NM_015338.6 (MANE Select); coding-DNA position 2764, G replaced by A.
Protein change: p.Val922Ile; replaces valine 922 with isoleucine.
Molecular consequence: missense variant.
Genome position (GRCh38, 1-based): chr20:32,435,476, G>A. VCF-style: chr20-32435476-G-A. GRCh37 (hg19) VCF-style: chr20-31023279-G-A.
Other names: c.2581G>A, p.Val861Ile (NM_001363734.1); short protein forms V861I, V922I.
Identifiers: ClinVar variation 3688261 (VCV003688261.2).
Genomic context (GRCh38, chr20:32,435,476, plus strand): 5'-CCATCGAATGATGAGGTAGTGAAACAGCCCAAACCAGAATCCAGAGAACACATACCATCT[G>A]TTGAGCCCCAGGTTGGAGAGGAGTGGGAGAAAGCTGCTCCCACCCCTCCTGCATTGCCTG-3'
Protein context (NP_056153.2, residues 912-932): KPESREHIPS[Val922Ile]EPQVGEEWEK